The following is an entry in ClinVar:

NM_001364857.2(ADGRB2):c.4594C>T (p.Arg1532Cys)

Gene: ADGRB2 (adhesion G protein-coupled receptor B2; minus strand). Cytogenetic location: 1p35.2.
Variant type: single nucleotide variant.
Coding change: c.4594C>T on transcript NM_001364857.2 (MANE Select); coding-DNA position 4594, C replaced by T.
Protein change: p.Arg1532Cys; replaces arginine 1532 with cysteine.
Molecular consequence: missense variant.
Genome position (GRCh38, 1-based): chr1:31,727,584, G>A on the plus strand (C>T on the coding strand, the complement: ADGRB2 is on the minus strand). VCF-style: chr1-31727584-G-A. GRCh37 (hg19) VCF-style: chr1-32193185-G-A.
Other names: c.4591C>T, p.Arg1531Cys (NM_001294335.2); c.4492C>T, p.Arg1498Cys (NM_001294336.2); short protein forms R1498C, R1531C, R1532C.
Identifiers: ClinVar variation 1598588 (VCV001598588.33), dbSNP rs41263977, ClinGen allele CA734956.

ClinVar aggregate classification (germline): Benign. Review status: criteria provided, multiple submitters, no conflicts (2 of 4 stars). 3 submissions from 3 submitters: Benign (3). Last evaluated 2025-12-29.

Allele frequency attached by ClinVar (database versions not stated): 1000 Genomes Project 30x 0.00141; 1000 Genomes Project 0.00240; TOPMed 0.00497; ESP Exome Variant Server 0.00646; gnomAD 0.00695 and 0.00721; gnomAD exomes 0.00934 and 0.00968; ExAC 0.01343.
gnomAD v4.1: 13,983 of 1,548,822 alleles (0.9%); highest among the groups gnomAD compares: Non-Finnish European, 1%; 85 homozygotes.

Submissions (3):

Labcorp Genetics (formerly Invitae), Labcorp
Classification: Benign. Last evaluated: 2025-12-29. Review status: criteria provided, single submitter. Criteria: Invitae Variant Classification Sherloc (09022015). Collection method: clinical testing. Allele origin: germline.

CeGaT Center for Human Genetics Tuebingen
Classification: Benign. Last evaluated: 2022-07-01. Review status: criteria provided, single submitter. Criteria: CeGaT Center For Human Genetics Tuebingen Variant Classification Criteria Version 2. Collection method: clinical testing. Allele origin: germline. Affected: yes. Observed: 1 variant allele.
Comment: ADGRB2: BS1, BS2

Breakthrough Genomics
Classification: Benign. Review status: criteria provided, single submitter. Criteria: ACMG Guidelines, 2015. Collection method: not provided. Allele origin: germline. Inheritance: Unknown mechanism. Affected: yes.